The following is an entry in ClinVar:

ClinVar aggregate classification (germline): Uncertain significance. Review status: criteria provided, multiple submitters, no conflicts (2 of 4 stars). 3 submissions from 3 submitters: Uncertain significance (3). Last evaluated 2025-11-06.

Conditions:
Orthostatic hypotension 1 (ORTHYP1). Also called: NORADRENALINE DEFICIENCY; NOREPINEPHRINE DEFICIENCY; Orthostatic hypotension 1, due to DBH deficiency; Dopamine beta-hydroxylase deficiency. Identifiers: Orphanet 230, MedGen C4746777, MONDO:0009123, OMIM 223360.
Inborn genetic diseases. Identifiers: MedGen C0950123, MeSH D030342.

Allele frequency attached by ClinVar (database versions not stated): gnomAD below 0.00001 and 0.00004; TOPMed 0.00002; gnomAD exomes 0.00010; ExAC 0.00012; 1000 Genomes Project 0.00040; 1000 Genomes Project 30x 0.00047.
gnomAD v4.1: 98 of 1,613,776 alleles (0.0061%); highest among the groups gnomAD compares: South Asian, 0.099%; no homozygotes.

Submissions (3):

Ambry Genetics
Classification: Uncertain significance for Inborn genetic diseases. Last evaluated: 2025-11-06. Review status: criteria provided, single submitter. Criteria: Ambry Variant Classification Scheme 2023. Collection method: clinical testing. Allele origin: germline.

Labcorp Genetics (formerly Invitae), Labcorp
Classification: Uncertain significance for Orthostatic hypotension 1. Last evaluated: 2022-08-19. Review status: criteria provided, single submitter. Criteria: Invitae Variant Classification Sherloc (09022015). Collection method: clinical testing. Allele origin: germline.
Comment: This sequence change replaces tyrosine, which is neutral and polar, with cysteine, which is neutral and slightly polar, at codon 311 of the DBH protein (p.Tyr311Cys). This variant is present in population databases (rs560578268, gnomAD 0.09%). This variant has not been reported in the literature in individuals affected with DBH-related conditions. ClinVar contains an entry for this variant (Variation ID: 915047). Algorithms developed to predict the effect of missense changes on protein structure and function (SIFT, PolyPhen-2, Align-GVGD) all suggest that this variant is likely to be disruptive. In summary, the available evidence is currently insufficient to determine the role of this variant in disease. Therefore, it has been classified as a Variant of Uncertain Significance.

Illumina Laboratory Services, Illumina
Classification: Uncertain significance for Orthostatic hypotension 1. Last evaluated: 2018-01-12. Review status: criteria provided, single submitter. Criteria: ICSL Variant Classification Criteria 13 December 2019. Collection method: clinical testing. Allele origin: germline.

NM_000787.4(DBH):c.932A>G (p.Tyr311Cys)

Gene: DBH (dopamine beta-hydroxylase; plus strand). Cytogenetic location: 9q34.2.
Variant type: single nucleotide variant.
Coding change: c.932A>G on transcript NM_000787.4 (MANE Select); coding-DNA position 932, A replaced by G.
Protein change: p.Tyr311Cys; replaces tyrosine 311 with cysteine.
Molecular consequence: missense variant.
Genome position (GRCh38, 1-based): chr9:133,644,228, A>G. VCF-style: chr9-133644228-A-G. GRCh37 (hg19) VCF-style: chr9-136509350-A-G.
Other names: short protein forms Y311C.
Identifiers: ClinVar variation 915047 (VCV000915047.6), dbSNP rs560578268, ClinGen allele CA5313247.